The following is an entry in ClinVar:

ClinVar aggregate classification (germline): Uncertain significance (1 of 4 stars; one submission).

Submission:

Labcorp Genetics (formerly Invitae), Labcorp
Classification: Uncertain significance. Last evaluated: 2024-03-03. Review status: criteria provided, single submitter. Criteria: Invitae Variant Classification Sherloc (09022015). Collection method: clinical testing. Allele origin: germline.
Comment: This sequence change replaces alanine, which is neutral and non-polar, with threonine, which is neutral and polar, at codon 277 of the GNB3 protein (p.Ala277Thr). The frequency data for this variant in the population databases is considered unreliable, as metrics indicate poor data quality at this position in the gnomAD database. This variant has not been reported in the literature in individuals affected with GNB3-related conditions. Advanced modeling of protein sequence and biophysical properties (such as structural, functional, and spatial information, amino acid conservation, physicochemical variation, residue mobility, and thermodynamic stability) performed at Invitae indicates that this missense variant is not expected to disrupt GNB3 protein function with a negative predictive value of 80%. In summary, the available evidence is currently insufficient to determine the role of this variant in disease. Therefore, it has been classified as a Variant of Uncertain Significance.

NM_002075.4(GNB3):c.829G>A (p.Ala277Thr)

Genes: CDCA3 (cell division cycle associated 3; minus strand), GNB3 (G protein subunit beta 3; plus strand). Cytogenetic location: 12p13.31.
Variant type: single nucleotide variant.
Coding change: c.829G>A on transcript NM_002075.4 (MANE Select); coding-DNA position 829, G replaced by A.
Protein change: p.Ala277Thr; replaces alanine 277 with threonine.
Molecular consequence: missense variant. On other transcripts: 3 prime UTR variant (1).
Genome position (GRCh38, 1-based): chr12:6,845,715, G>A. VCF-style: chr12-6845715-G-A. GRCh37 (hg19) VCF-style: chr12-6954879-G-A.
Other names: c.826G>A, p.Ala276Thr (NM_001297571.2); c.*1073C>T (NM_001297603.3); short protein forms A276T, A277T.
Identifiers: ClinVar variation 3644399 (VCV003644399.2).